The following is an entry in ClinVar:

ClinVar aggregate classification (germline): Likely pathogenic (1 of 4 stars; one submission).

Conditions:
Dilated cardiomyopathy 1G (CMD1G). Identifiers: Orphanet 154, MedGen C1858763, MONDO:0011400, OMIM 604145.
Hypertrophic cardiomyopathy 9. Also called: Familial hypertrophic cardiomyopathy 9. Identifiers: MedGen C1861065, MONDO:0013412, OMIM 613765.
Early-onset myopathy with fatal cardiomyopathy (CMYO5). Also called: Salih Myopathy; CONGENITAL MYOPATHY 5 WITH CARDIOMYOPATHY. Identifiers: Orphanet 289377, MedGen C2673677, MONDO:0012714, OMIM 611705. Disease mechanism: loss of function.
Tibial muscular dystrophy (TMD). Also called: Tibial muscular dystrophy, tardive; Udd Distal Myopathy – Tibial Muscular Dystrophy; UDD MYOPATHY. Identifiers: Orphanet 609, MedGen C1838244, MONDO:0010870, OMIM 600334.
Autosomal recessive limb-girdle muscular dystrophy type 2J (LGMDR10). Also called: MUSCULAR DYSTROPHY, LIMB-GIRDLE, AUTOSOMAL RECESSIVE 10; Limb-girdle muscular dystrophy, type 2J. Identifiers: Orphanet 140922, MedGen C1837342, MONDO:0012127, OMIM 608807.
Myopathy, myofibrillar, 9, with early respiratory failure (MFM9). Also called: EDSTROM MYOPATHY; Myopathy, distal, with early respiratory failure, autosomal dominant; Hereditary myopathy with early respiratory failure; MYOPATHY, PROXIMAL, WITH EARLY RESPIRATORY MUSCLE INVOLVEMENT. Identifiers: Orphanet 178464, Orphanet 34521, MedGen C1863599, MONDO:0011362, OMIM 603689.

Submission:

Juno Genomics, Hangzhou Juno Genomics, Inc
Classification: Likely pathogenic for Early-onset myopathy with fatal cardiomyopathy; Dilated cardiomyopathy 1G; Hypertrophic cardiomyopathy 9; Autosomal recessive limb-girdle muscular dystrophy type 2J; Myopathy, myofibrillar, 9, with early respiratory failure; Tibial muscular dystrophy. Review status: criteria provided, single submitter. Criteria: ACMG Guidelines, 2015. Collection method: clinical testing. Allele origin: germline.
Comment: Absent from controls (or at extremely low frequency if recessive) in Genome Aggregation Database.;Null variant in a gene where loss of function (LOF) is a known mechanism of disease.

NM_001267550.2(TTN):c.43126del (p.Ile14376fs)

Gene: TTN (titin; minus strand). Cytogenetic location: 2q31.2.
Variant type: Deletion.
Coding change: c.43126del on transcript NM_001267550.2 (MANE Select); coding-DNA position 43126, one base deleted (A; older notation c.43126delA).
Protein change: p.Ile14376fs; shifts the reading frame from isoleucine 14376.
Molecular consequence: frameshift variant.
Genome position (GRCh38, 1-based): chr2:178,633,005, T deleted on the plus strand (A on the coding strand, the reverse complement: TTN is on the minus strand). VCF-style (leftmost placement, unchanged base first): chr2-178633004-AT-A. GRCh37 (hg19) VCF-style: chr2-179497731-AT-A.
Other names: c.38203del, p.Ile12735fs (NM_001256850.1); c.15931del, p.Ile5311fs (NM_003319.4); c.35422del, p.Ile11808fs (NM_133378.4); c.16306del, p.Ile5436fs (NM_133432.3); c.16507del, p.Ile5503fs (NM_133437.4); short protein forms I11808fs, I12735fs, I14376fs, I5311fs, I5436fs, I5503fs.
Identifiers: ClinVar variation 3382273 (VCV003382273.3).